The following is an entry in ClinVar:

NM_020180.4(CELF4):c.924G>A (p.Ala308=)

Gene: CELF4 (CUGBP Elav-like family member 4; minus strand). Cytogenetic location: 18q12.2.
Variant type: single nucleotide variant.
Coding change: c.924G>A on transcript NM_020180.4 (MANE Select); coding-DNA position 924, G replaced by A.
Protein change: p.Ala308=; no amino-acid change (alanine 308 retained).
Molecular consequence: synonymous variant. On other transcripts: non-coding transcript variant (11).
Genome position (GRCh38, 1-based): chr18:37,273,041, C>T on the plus strand (G>A on the coding strand, the complement: CELF4 is on the minus strand). VCF-style: chr18-37273041-C-T. GRCh37 (hg19) VCF-style: chr18-34853004-C-T.
Other names: c.921G>A, p.Ala307= (NM_001025087.2, NM_001330603.2, NM_001353696.2 and 12 more transcripts); c.918G>A, p.Ala306= (NM_001025088.2, NM_001353702.2, NM_001353712.2 and 2 more transcripts); c.894G>A, p.Ala298= (NM_001025089.2, NM_001353700.2, NM_001353703.2 and 6 more transcripts); c.891G>A, p.Ala297= (NM_001353695.2, NM_001353697.2, NM_001353699.2 and 14 more transcripts); c.888G>A, p.Ala296= (NM_001353705.2, NM_001353706.2, NM_001353711.2 and 5 more transcripts); c.924G>A, p.Ala308= (NM_001353708.2, NM_001353724.2, NM_001353731.2 and 6 more transcripts); c.552G>A, p.Ala184= (NM_001353756.2, NM_001353761.2); c.525G>A, p.Ala175= (NM_001353757.2, NM_001353760.2); and 1 more.
Identifiers: ClinVar variation 4979160 (VCV004979160.1).

ClinVar aggregate classification (germline): Likely benign (1 of 4 stars; one submission).

Conditions:
CELF4-related disorder. Also called: CELF4-related condition.

gnomAD v4.1: 21 of 1,611,512 alleles (0.0013%); highest among the groups gnomAD compares: African/African-American, 0.008%; 1 homozygote.

Submission:

PreventionGenetics, part of Exact Sciences
Classification: Likely benign for CELF4-related condition. Last evaluated: 2026-01-30. Review status: criteria provided, single submitter. Criteria: ACMG Guidelines, 2015. Collection method: clinical testing. Allele origin: germline.
Comment: This variant is classified as likely benign based on ACMG/AMP sequence variant interpretation guidelines (Richards et al. 2015 PMID: 25741868, with internal and published modifications).